The following is an entry in ClinVar:

NM_000020.3(ACVRL1):c.1246+1G>A

Gene: ACVRL1 (activin A receptor like type 1; plus strand). Cytogenetic location: 12q13.13.
Variant type: single nucleotide variant.
Coding change: c.1246+1G>A on transcript NM_000020.3 (MANE Select); the canonical splice donor site of the intron after coding-DNA position 1246, G replaced by A.
Molecular consequence: splice donor variant. On other transcripts: intron variant (1).
Genome position (GRCh38, 1-based): chr12:51,916,234, G>A. VCF-style: chr12-51916234-G-A. GRCh37 (hg19) VCF-style: chr12-52310018-G-A.
Other names: c.1246+1G>A (NM_001406487.1, NM_001406488.1, NM_001077401.2 and 1 more transcripts); c.934+1G>A (NM_001406491.1, NM_001406490.1, NM_001406492.1 and 1 more transcripts); c.736+734G>A (NM_001406494.1); c.682+1G>A (NM_001406495.1).
Identifiers: ClinVar variation 571573 (VCV000571573.16), dbSNP rs1565595176, ClinGen allele CA384903091.

ClinVar aggregate classification (germline): Pathogenic. Review status: criteria provided, multiple submitters, no conflicts (2 of 4 stars). 3 submissions from 3 submitters: Pathogenic (3). Last evaluated 2025-05-12.

Conditions:
Cardiovascular phenotype. Identifiers: MedGen CN230736.
Telangiectasia, hereditary hemorrhagic, type 2 (HHT2). Also called: ACVRL1-Related Hereditary Hemorrhagic Telangiectasia; Telangiectasia, hereditary hemorrhagic, type II. Identifiers: Orphanet 774, MedGen C1838163, MONDO:0010880, OMIM 600376. Disease mechanism: loss of function.

Submissions (3):

Labcorp Genetics (formerly Invitae), Labcorp
Classification: Pathogenic for Telangiectasia, hereditary hemorrhagic, type 2. Last evaluated: 2025-05-12. Review status: criteria provided, single submitter. Criteria: Invitae Variant Classification Sherloc (09022015). Collection method: clinical testing. Allele origin: germline.
Comment: This sequence change affects a donor splice site in intron 8 of the ACVRL1 gene. It is expected to disrupt RNA splicing. Variants that disrupt the donor or acceptor splice site typically lead to a loss of protein function (PMID: 16199547), and loss-of-function variants in ACVRL1 are known to be pathogenic (PMID: 15879500). This variant is not present in population databases (gnomAD no frequency). Disruption of this splice site has been observed in individuals with hereditary hemorrhagic telangiectasia (PMID: 16752392; internal data). ClinVar contains an entry for this variant (Variation ID: 571573). Algorithms developed to predict the effect of sequence changes on RNA splicing suggest that this variant may disrupt the consensus splice site. For these reasons, this variant has been classified as Pathogenic.

Mayo Clinic Laboratories, Mayo Clinic
Classification: Pathogenic. Last evaluated: 2024-01-23. Review status: criteria provided, single submitter. Criteria: ACMG Guidelines, 2015. Collection method: clinical testing. Allele origin: germline. Observed: 2 variant alleles.
Comment: PM2, PS4_moderate, PVS1_strong

Ambry Genetics
Classification: Pathogenic for Cardiovascular phenotype. Last evaluated: 2023-06-27. Review status: criteria provided, single submitter. Criteria: Ambry Variant Classification Scheme 2023. Collection method: clinical testing. Allele origin: germline.
Comment: The c.1246+1G>A intronic pathogenic mutation results from a G to A substitution one nucleotide after coding exon 7 of the ACVRL1 gene. This alteration was observed in two unrelated individuals with clinical presentations of hereditary hemorrhagic telangiectasia (Bossler AD et al. Hum. Mutat., 2006 Jul;27:667-75). This variant is considered to be rare based on population cohorts in the Genome Aggregation Database (gnomAD). This nucleotide position is highly conserved in available vertebrate species. In silico splice site analysis predicts that this alteration will weaken the native splice donor site and will result in the creation or strengthening of a novel splice donor site. In addition to the clinical data presented in the literature, alterations that disrupt the canonical splice site are expected to cause aberrant splicing, resulting in an abnormal protein or a transcript that is subject to nonsense-mediated mRNA decay. As such, this alteration is classified as a disease-causing mutation.

Literature cited by the submitters: PubMed 16199547 (cited by Labcorp Genetics (formerly Invitae), Labcorp); PubMed 15879500 (cited by Labcorp Genetics (formerly Invitae), Labcorp); PubMed 16752392 (cited by 3 submitters); PubMed 32300199 (cited by Mayo Clinic Laboratories, Mayo Clinic).